The following is an entry in ClinVar:

NM_152594.3(SPRED1):c.520A>G (p.Arg174Gly)

Gene: SPRED1 (sprouty related EVH1 domain containing 1; plus strand). Cytogenetic location: 15q14.
Variant type: single nucleotide variant.
Coding change: c.520A>G on transcript NM_152594.3 (MANE Select); coding-DNA position 520, A replaced by G.
Protein change: p.Arg174Gly; replaces arginine 174 with glycine.
Molecular consequence: missense variant.
Genome position (GRCh38, 1-based): chr15:38,339,833, A>G. VCF-style: chr15-38339833-A-G. GRCh37 (hg19) VCF-style: chr15-38632034-A-G.
Other names: short protein forms R174G.
Identifiers: ClinVar variation 4741683 (VCV004741683.1).

ClinVar aggregate classification (germline): Uncertain significance (1 of 4 stars; one submission).

Conditions:
Legius syndrome. Identifiers: Orphanet 137605, MedGen C1969623, MONDO:0012669, OMIM 611431. Disease mechanism: loss of function.

gnomAD v4.1: 1 of 1,613,960 alleles (0.000062%); highest among the groups gnomAD compares: Non-Finnish European, 0.000085%; no homozygotes.

Submission:

Labcorp Genetics (formerly Invitae), Labcorp
Classification: Uncertain significance for Legius syndrome. Last evaluated: 2025-05-28. Review status: criteria provided, single submitter. Criteria: Invitae Variant Classification Sherloc (09022015). Collection method: clinical testing. Allele origin: germline.
Comment: This sequence change replaces arginine, which is basic and polar, with glycine, which is neutral and non-polar, at codon 174 of the SPRED1 protein (p.Arg174Gly). This variant is not present in population databases (gnomAD no frequency). This variant has not been reported in the literature in individuals affected with SPRED1-related conditions. Invitae Evidence Modeling of protein sequence and biophysical properties (such as structural, functional, and spatial information, amino acid conservation, physicochemical variation, residue mobility, and thermodynamic stability) indicates that this missense variant is not expected to disrupt SPRED1 protein function with a negative predictive value of 80%. In summary, the available evidence is currently insufficient to determine the role of this variant in disease. Therefore, it has been classified as a Variant of Uncertain Significance.